The following is an entry in ClinVar:

ClinVar aggregate classification (germline): Pathogenic (1 of 4 stars; one submission).

Conditions:
Dyskeratosis congenita, autosomal dominant 2. Identifiers: MedGen C3151443, MONDO:0013521, OMIM 613989.
Idiopathic Pulmonary Fibrosis. Also called: Idiopathic fibrosing alveolitis, chronic form; idiopathic fibrosing alveolitis. Identifiers: Orphanet 2032, MedGen C1800706, MeSH D054990, MONDO:0800504.

Submission:

Labcorp Genetics (formerly Invitae), Labcorp
Classification: Pathogenic for Dyskeratosis congenita, autosomal dominant 2; Idiopathic Pulmonary Fibrosis. Last evaluated: 2023-11-01. Review status: criteria provided, single submitter. Criteria: Invitae Variant Classification Sherloc (09022015). Collection method: clinical testing. Allele origin: germline.
Comment: This sequence change creates a premature translational stop signal (p.Trp930*) in the TERT gene. It is expected to result in an absent or disrupted protein product. Loss-of-function variants in TERT are known to be pathogenic (PMID: 16247010, 17460043). This variant is not present in population databases (gnomAD no frequency). This variant has not been reported in the literature in individuals affected with TERT-related conditions. For these reasons, this variant has been classified as Pathogenic.

Literature cited by the submitters: PubMed 16247010; PubMed 17460043.

NM_198253.3(TERT):c.2790G>A (p.Trp930Ter)

Gene: TERT (telomerase reverse transcriptase; minus strand). Cytogenetic location: 5p15.33.
Variant type: single nucleotide variant.
Coding change: c.2790G>A on transcript NM_198253.3 (MANE Select); coding-DNA position 2790, G replaced by A.
Protein change: p.Trp930Ter; replaces tryptophan 930 with a stop codon.
Molecular consequence: nonsense. On other transcripts: intron variant (1).
Genome position (GRCh38, 1-based): chr5:1,264,457, C>T on the plus strand (G>A on the coding strand, the complement: TERT is on the minus strand). VCF-style: chr5-1264457-C-T. GRCh37 (hg19) VCF-style: chr5-1264572-C-T.
Other names: c.2790G>A, p.Trp930Ter (NM_003219.1); c.2654+2007G>A (NM_001193376.3); short protein forms W930*.
Identifiers: ClinVar variation 2953444 (VCV002953444.3), dbSNP rs2478152935, ClinGen allele CA359071597.